The following is an entry in ClinVar:

NM_004655.4(AXIN2):c.2405+3A>G

Gene: AXIN2 (axin 2; minus strand). Cytogenetic location: 17q24.1.
Variant type: single nucleotide variant.
Coding change: c.2405+3A>G on transcript NM_004655.4 (MANE Select); 3 bases into the intron after coding-DNA position 2405, A replaced by G.
Molecular consequence: intron variant.
Genome position (GRCh38, 1-based): chr17:65,533,909, T>C on the plus strand (A>G on the coding strand, the complement: AXIN2 is on the minus strand). VCF-style: chr17-65533909-T-C. GRCh37 (hg19) VCF-style: chr17-63530027-T-C.
Other names: c.2210+3A>G (NM_001363813.1).
Identifiers: ClinVar variation 956948 (VCV000956948.12), dbSNP rs1032225843, ClinGen allele CA293093072.

ClinVar aggregate classification (germline): Uncertain significance. Review status: criteria provided, multiple submitters, no conflicts (2 of 4 stars). 3 submissions from 3 submitters: Uncertain significance (3). Last evaluated 2025-10-01.

Conditions:
Hereditary cancer-predisposing syndrome. Also called: Hereditary neoplastic syndrome; Tumor predisposition; Neoplastic Syndromes, Hereditary; Hereditary Cancer Syndrome. Identifiers: Orphanet 140162, MedGen C0027672, MeSH D009386, MONDO:0015356.
Oligodontia-cancer predisposition syndrome. Also called: TOOTH AGENESIS-COLORECTAL CANCER SYNDROME. Identifiers: Orphanet 300576, MedGen C1837750, MONDO:0012075, OMIM 608615. Disease mechanism: loss of function.

Allele frequency attached by ClinVar (database versions not stated): gnomAD exomes below 0.00001; TOPMed 0.00001.
gnomAD v4.1: 9 of 1,613,546 alleles (0.00056%); highest among the groups gnomAD compares: African/African-American, 0.004%; no homozygotes.

Submissions (3):

Labcorp Genetics (formerly Invitae), Labcorp
Classification: Uncertain significance for Oligodontia-cancer predisposition syndrome. Last evaluated: 2025-10-01. Review status: criteria provided, single submitter. Criteria: Invitae Variant Classification Sherloc (09022015). Collection method: clinical testing. Allele origin: germline.
Comment: This sequence change falls in intron 10 of the AXIN2 gene. It does not directly change the encoded amino acid sequence of the AXIN2 protein. It affects a nucleotide within the consensus splice site. This variant is not present in population databases (gnomAD no frequency). This variant has not been reported in the literature in individuals affected with AXIN2-related conditions. ClinVar contains an entry for this variant (Variation ID: 956948). Variants that disrupt the consensus splice site are a relatively common cause of aberrant splicing (PMID: 17576681, 9536098). Algorithms developed to predict the effect of sequence changes on RNA splicing suggest that this variant is not likely to affect RNA splicing. In summary, the available evidence is currently insufficient to determine the role of this variant in disease. Therefore, it has been classified as a Variant of Uncertain Significance.

Ambry Genetics
Classification: Uncertain significance for Hereditary cancer-predisposing syndrome. Last evaluated: 2025-09-23. Review status: criteria provided, single submitter. Criteria: Ambry Variant Classification Scheme 2023. Collection method: clinical testing. Allele origin: germline.
Comment: The c.2405+3A>G intronic variant results from an A to G substitution 3 nucleotides after coding exon 9 in the AXIN2 gene. This nucleotide position is well conserved in available vertebrate species. In silico splice site analysis predicts that this alteration will not have any significant effect on splicing; however, direct evidence is insufficient at this time (Ambry internal data). Based on the available evidence, the clinical significance of this variant remains unclear.

Quest Diagnostics Nichols Institute San Juan Capistrano
Classification: Uncertain significance. Last evaluated: 2024-03-13. Review status: criteria provided, single submitter. Criteria: Quest Diagnostics criteria. Collection method: clinical testing. Allele origin: unknown.
Comment: The AXIN2 c.2405+3A>G variant has not been reported in individuals with AXIN2-related conditions in the published literature. It also has not been reported in large, multi-ethnic general populations (Genome Aggregation Database). Analysis of this variant using software algorithms for the prediction of the effect of nucleotide changes on AXIN2 mRNA splicing yielded inconclusive findings. Based on the available information, we are unable to determine the clinical significance of this variant.

Literature cited by the submitters: PubMed 17576681 (cited by Labcorp Genetics (formerly Invitae), Labcorp); PubMed 9536098 (cited by Labcorp Genetics (formerly Invitae), Labcorp).